The following is an entry in ClinVar:

ClinVar aggregate classification (germline): Likely benign (0 of 4 stars; one submission).

Conditions:
FUT8-related disorder. Also called: FUT8-related condition.

Allele frequency attached by ClinVar (database versions not stated): gnomAD exomes below 0.00001.
gnomAD v4.1: 4 of 1,613,818 alleles (0.00025%); highest among the groups gnomAD compares: Non-Finnish European, 0.00025%; no homozygotes.

Submission:

PreventionGenetics, part of Exact Sciences
Classification: Likely benign for FUT8-related condition. Last evaluated: 2020-03-03. Review status: no assertion criteria provided. Collection method: clinical testing. Allele origin: germline.
Comment: This variant is classified as likely benign based on ACMG/AMP sequence variant interpretation guidelines (Richards et al. 2015 PMID: 25741868, with internal and published modifications).

NM_001371533.1(FUT8):c.642C>T (p.Ile214=)

Gene: FUT8 (fucosyltransferase 8; plus strand). Cytogenetic location: 14q23.3.
Variant type: single nucleotide variant.
Coding change: c.642C>T on transcript NM_001371533.1 (MANE Select); coding-DNA position 642, C replaced by T.
Protein change: p.Ile214=; no amino-acid change (isoleucine 214 retained).
Molecular consequence: synonymous variant. On other transcripts: non-coding transcript variant (1).
Genome position (GRCh38, 1-based): chr14:65,669,287, C>T. VCF-style: chr14-65669287-C-T. GRCh37 (hg19) VCF-style: chr14-66136005-C-T.
Other names: c.642C>T, p.Ile214= (NM_001371534.1, NM_178155.3, NM_178156.2); c.744C>T, p.Ile248= (NM_001371536.1); c.153C>T, p.Ile51= (NM_004480.4).
Identifiers: ClinVar variation 3051919 (VCV003051919.2), dbSNP rs2503244132, ClinGen allele CA486917346.
Genomic context (GRCh38, chr14:65,669,287, plus strand): 5'-TCTTTCTCCCTGACAGAATCCCAAGGACTGCAGCAAAGCCAAAAAGCTGGTGTGTAATAT[C>T]AACAAAGGCTGTGGCTATGGCTGTCAGCTCCATCATGTGGTCTACTGCTTCATGATTGCA-3'
Protein context (NP_001358462.1, residues 204-224): CSKAKKLVCN[Ile214=]NKGCGYGCQL